The following is an entry in ClinVar:

ClinVar aggregate classification (germline): Likely benign (1 of 4 stars; one submission).

Allele frequency attached by ClinVar (database versions not stated): gnomAD exomes 0.00048; 1000 Genomes Project 30x 0.00291; gnomAD 0.00364 and 0.00395; 1000 Genomes Project 0.00371; TOPMed 0.00436.
gnomAD v4.1: 718 of 726,284 alleles (0.099%); highest among the groups gnomAD compares: African/African-American, 1.3%; 6 homozygotes.

Submission:

GeneDx
Classification: Likely benign. Last evaluated: 2018-06-16. Review status: criteria provided, single submitter. Criteria: GeneDx Variant Classification (06012015). Collection method: clinical testing. Allele origin: germline. Affected: yes.
Comment: This variant is considered likely benign or benign based on one or more of the following criteria: it is a conservative change, it occurs at a poorly conserved position in the protein, it is predicted to be benign by multiple in silico algorithms, and/or has population frequency not consistent with disease.

NM_001079872.2(CUL4B):c.1852+69C>T

Gene: CUL4B (cullin 4B; minus strand). Cytogenetic location: Xq24.
Variant type: single nucleotide variant.
Coding change: c.1852+69C>T on transcript NM_001079872.2 (MANE Select); 69 bases into the intron after coding-DNA position 1852, C replaced by T.
Molecular consequence: intron variant.
Genome position (GRCh38, 1-based): chrX:120,538,591, G>A on the plus strand (C>T on the coding strand, the complement: CUL4B is on the minus strand). VCF-style: chrX-120538591-G-A. GRCh37 (hg19) VCF-style: chrX-119672446-G-A.
Other names: c.1906+69C>T (NM_003588.4); c.1867+69C>T (NM_001330624.2); c.1318+69C>T (NM_001369145.1).
Identifiers: ClinVar variation 678984 (VCV000678984.1), dbSNP rs190309436, ClinGen allele CA334123063.